The following is an entry in ClinVar:

NM_001128840.3(CACNA1D):c.5641C>A (p.Pro1881Thr)

Gene: CACNA1D (calcium voltage-gated channel subunit alpha1 D; plus strand). Cytogenetic location: 3p21.1.
Variant type: single nucleotide variant.
Coding change: c.5641C>A on transcript NM_001128840.3 (MANE Select); coding-DNA position 5641, C replaced by A.
Protein change: p.Pro1881Thr; replaces proline 1881 with threonine.
Molecular consequence: missense variant.
Genome position (GRCh38, 1-based): chr3:53,805,038, C>A. VCF-style: chr3-53805038-C-A. GRCh37 (hg19) VCF-style: chr3-53839065-C-A.
Other names: c.5701C>A, p.Pro1901Thr (NM_000720.4); c.5569C>A, p.Pro1857Thr (NM_001128839.3); short protein forms P1857T, P1881T, P1901T.
Identifiers: ClinVar variation 2663140 (VCV002663140.1), dbSNP rs1576728323, ClinGen allele CA353254606.

ClinVar aggregate classification (germline): Uncertain significance (1 of 4 stars; one submission).

Allele frequency attached by ClinVar (database versions not stated): gnomAD 0.00001.
gnomAD v4.1: 1 of 1,613,974 alleles (0.000062%); highest among the groups gnomAD compares: African/African-American, 0.0013%; no homozygotes.

Submission:

GeneDx
Classification: Uncertain significance. Last evaluated: 2023-05-08. Review status: criteria provided, single submitter. Criteria: GeneDx Variant Classification Process June 2021. Collection method: clinical testing. Allele origin: germline. Affected: yes.
Comment: Not observed at significant frequency in large population cohorts (gnomAD); In silico analysis supports that this missense variant has a deleterious effect on protein structure/function; Has not been previously published as pathogenic or benign to our knowledge